The following is an entry in ClinVar:

NM_004793.4(LONP1):c.53T>G (p.Val18Gly)

Gene: LONP1 (lon peptidase 1, mitochondrial; minus strand). Cytogenetic location: 19p13.3.
Variant type: single nucleotide variant.
Coding change: c.53T>G on transcript NM_004793.4 (MANE Select); coding-DNA position 53, T replaced by G.
Protein change: p.Val18Gly; replaces valine 18 with glycine.
Molecular consequence: missense variant. On other transcripts: non-coding transcript variant (1), intron variant (1).
Genome position (GRCh38, 1-based): chr19:5,720,080, A>C on the plus strand (T>G on the coding strand, the complement: LONP1 is on the minus strand). VCF-style: chr19-5720080-A-C. GRCh37 (hg19) VCF-style: chr19-5720091-A-C.
Other names: c.53T>G, p.Val18Gly (NM_001276479.2); c.-160+139T>G (NM_001276480.1); short protein forms V18G.
Identifiers: ClinVar variation 2123656 (VCV002123656.4), dbSNP rs2145646173, ClinGen allele CA403544745.

ClinVar aggregate classification (germline): Uncertain significance (1 of 4 stars; one submission).

Submission:

Labcorp Genetics (formerly Invitae), Labcorp
Classification: Uncertain significance. Last evaluated: 2025-05-19. Review status: criteria provided, single submitter. Criteria: Invitae Variant Classification Sherloc (09022015). Collection method: clinical testing. Allele origin: germline.
Comment: This sequence change replaces valine, which is neutral and non-polar, with glycine, which is neutral and non-polar, at codon 18 of the LONP1 protein (p.Val18Gly). This variant is not present in population databases (gnomAD no frequency). This variant has not been reported in the literature in individuals affected with LONP1-related conditions. ClinVar contains an entry for this variant (Variation ID: 2123656). Invitae Evidence Modeling of protein sequence and biophysical properties (such as structural, functional, and spatial information, amino acid conservation, physicochemical variation, residue mobility, and thermodynamic stability) indicates that this missense variant is not expected to disrupt LONP1 protein function with a negative predictive value of 95%. In summary, the available evidence is currently insufficient to determine the role of this variant in disease. Therefore, it has been classified as a Variant of Uncertain Significance.